The following is an entry in ClinVar:

ClinVar aggregate classification (germline): Conflicting classifications of pathogenicity. Review status: criteria provided, conflicting classifications (1 of 4 stars). 10 submissions from 9 submitters: Uncertain significance (9); Likely benign (1). Last evaluated 2026-07-01.

Conditions:
KCNJ10-related disorder. Also called: KCNJ10-related disorders; KCNJ10-related condition. Identifiers: MedGen CN239321.
Pendred syndrome (PDS). Also called: Pendred Syndrome (PDS); THYROID DYSHORMONOGENESIS 2B; THYROID HORMONOGENESIS, GENETIC DEFECT IN, 2B; DEAFNESS WITH GOITER; Pendred's syndrome; GOITER-DEAFNESS SYNDROME. Identifiers: Orphanet 705, MedGen C0271829, MONDO:0010134, OMIM 274600.
Autosomal recessive nonsyndromic hearing loss 4 (DFNB4). Also called: Enlarged vestibular aqueduct, digenic; DEAFNESS, AUTOSOMAL RECESSIVE 4, WITH ENLARGED VESTIBULAR AQUEDUCT, DIGENIC; NEUROSENSORY NONSYNDROMIC RECESSIVE DEAFNESS 4; Deafness, autosomal recessive 4, with enlarged vestibular aqueduct; FOXI1-Related Pendred Syndrome; KCNJ10-Related Pendred Syndrome. Identifiers: Orphanet 90636, MedGen C3538946, MONDO:0010933, OMIM 600791.
EAST syndrome (SESAMES). Also called: SEIZURES, SENSORINEURAL DEAFNESS, ATAXIA, IMPAIRED INTELLECTUAL DEVELOPMENT, AND ELECTROLYTE IMBALANCE. Identifiers: Orphanet 199343, MedGen C2748572, MONDO:0013005, OMIM 612780.

Allele frequency attached by ClinVar (database versions not stated): gnomAD exomes 0.00013 and 0.00018; TOPMed 0.00013; ExAC 0.00017; gnomAD 0.00018 and 0.00019.
gnomAD v4.1: 223 of 1,614,014 alleles (0.014%); highest among the groups gnomAD compares: Non-Finnish European, 0.011%; no homozygotes.

Submissions (10):

CeGaT Center for Human Genetics Tuebingen
Classification: Uncertain significance. Last evaluated: 2026-07-01. Review status: criteria provided, single submitter. Criteria: CeGaT Center For Human Genetics Tuebingen Variant Classification Criteria Version 2. Collection method: clinical testing. Allele origin: germline. Affected: yes. Observed: 3 variant alleles.
Comment: KCNJ10: PM2, PM3:Supporting

Labcorp Genetics (formerly Invitae), Labcorp
Classification: Uncertain significance for EAST syndrome. Last evaluated: 2025-01-08. Review status: criteria provided, single submitter. Criteria: Invitae Variant Classification Sherloc (09022015). Collection method: clinical testing. Allele origin: germline.
Comment: This sequence change replaces leucine, which is neutral and non-polar, with phenylalanine, which is neutral and non-polar, at codon 50 of the KCNJ10 protein (p.Leu50Phe). This variant is present in population databases (rs773510302, gnomAD 0.2%). This variant has not been reported in the literature in individuals affected with KCNJ10-related conditions. ClinVar contains an entry for this variant (Variation ID: 282077). Invitae Evidence Modeling of protein sequence and biophysical properties (such as structural, functional, and spatial information, amino acid conservation, physicochemical variation, residue mobility, and thermodynamic stability) indicates that this missense variant is expected to disrupt KCNJ10 protein function with a positive predictive value of 95%. In summary, the available evidence is currently insufficient to determine the role of this variant in disease. Therefore, it has been classified as a Variant of Uncertain Significance.

PreventionGenetics, part of Exact Sciences
Classification: Likely benign for KCNJ10-related condition. Last evaluated: 2024-11-07. Review status: criteria provided, single submitter. Criteria: ACMG Guidelines, 2015. Collection method: clinical testing. Allele origin: germline.
Comment: This variant is classified as likely benign based on ACMG/AMP sequence variant interpretation guidelines (Richards et al. 2015 PMID: 25741868, with internal and published modifications).

Blueprint Genetics
Classification: Uncertain significance. Last evaluated: 2024-11-01. Review status: criteria provided, single submitter. Criteria: ACMG Guidelines, 2015. Collection method: clinical testing. Allele origin: germline.

GeneDx
Classification: Uncertain significance. Last evaluated: 2024-10-23. Review status: criteria provided, single submitter. Criteria: GeneDx Variant Classification Process June 2021. Collection method: clinical testing. Allele origin: germline. Affected: yes.
Comment: In silico analysis indicates that this missense variant does not alter protein structure/function; Has not been previously published as pathogenic or benign to our knowledge

Fulgent Genetics
Classification: Uncertain significance for Pendred syndrome; Autosomal recessive nonsyndromic hearing loss 4; EAST syndrome. Last evaluated: 2022-02-10. Review status: criteria provided, single submitter. Criteria: ACMG Guidelines, 2015. Collection method: clinical testing. Allele origin: unknown.

Illumina Laboratory Services, Illumina
Classification: Uncertain significance for EAST syndrome. Last evaluated: 2018-01-12. Review status: criteria provided, single submitter. Criteria: ICSL Variant Classification Criteria 13 December 2019. Collection method: clinical testing. Allele origin: germline.

Illumina Laboratory Services, Illumina
Classification: Uncertain significance for Autosomal recessive nonsyndromic hearing loss 4. Last evaluated: 2018-01-12. Review status: criteria provided, single submitter. Criteria: ICSL Variant Classification Criteria 13 December 2019. Collection method: clinical testing. Allele origin: germline.

Eurofins Ntd Llc (ga)
Classification: Uncertain significance. Last evaluated: 2015-08-12. Review status: criteria provided, single submitter. Criteria: EGL Classification Definitions 2015. Collection method: clinical testing. Allele origin: germline. Observed: 1 variant allele, 1 heterozygote.

Center for Genomics, Ann and Robert H. Lurie Children's Hospital of Chicago
Classification: Uncertain significance for Autosomal recessive nonsyndromic hearing loss 4; EAST syndrome. Review status: criteria provided, single submitter. Criteria: ACMG Guidelines, 2015. Collection method: clinical testing. Allele origin: germline.
Comment: This variant has not been reported in the literature but is present in the Genome Aggregation Database (Highest reported MAF 0.02% (3/10618). This variant is present in ClinVar (Variation ID:282077). Evolutionary conservation for this variant is unclear; computational predictive tools suggest that this variant may impact the protein. In summary, data on this variant is insufficient for disease classification. Therefore, the clinical significance of this variant is uncertain.

NM_002241.5(KCNJ10):c.148C>T (p.Leu50Phe)

Gene: KCNJ10 (potassium inwardly rectifying channel subfamily J member 10; minus strand). Cytogenetic location: 1q23.2.
Variant type: single nucleotide variant.
Coding change: c.148C>T on transcript NM_002241.5 (MANE Select); coding-DNA position 148, C replaced by T.
Protein change: p.Leu50Phe; replaces leucine 50 with phenylalanine.
Molecular consequence: missense variant.
Genome position (GRCh38, 1-based): chr1:160,042,385, G>A on the plus strand (C>T on the coding strand, the complement: KCNJ10 is on the minus strand). VCF-style: chr1-160042385-G-A. GRCh37 (hg19) VCF-style: chr1-160012175-G-A.
Other names: short protein forms L50F.
Identifiers: ClinVar variation 282077 (VCV000282077.31), dbSNP rs773510302, ClinGen allele CA1193287.